The following is an entry in ClinVar:

ClinVar aggregate classification (germline): Uncertain significance (1 of 4 stars; one submission).

Allele frequency attached by ClinVar (database versions not stated): gnomAD 0.00001; ExAC 0.00003; 1000 Genomes Project 30x 0.00016; 1000 Genomes Project 0.00020.

Submission:

Labcorp Genetics (formerly Invitae), Labcorp
Classification: Uncertain significance. Last evaluated: 2024-08-14. Review status: criteria provided, single submitter. Criteria: Invitae Variant Classification Sherloc (09022015). Collection method: clinical testing. Allele origin: germline.
Comment: This sequence change replaces valine, which is neutral and non-polar, with methionine, which is neutral and non-polar, at codon 673 of the C3 protein (p.Val673Met). This variant is present in population databases (rs534845907, gnomAD 0.01%). This variant has not been reported in the literature in individuals affected with C3-related conditions. Invitae Evidence Modeling of protein sequence and biophysical properties (such as structural, functional, and spatial information, amino acid conservation, physicochemical variation, residue mobility, and thermodynamic stability) indicates that this missense variant is expected to disrupt C3 protein function with a positive predictive value of 80%. In summary, the available evidence is currently insufficient to determine the role of this variant in disease. Therefore, it has been classified as a Variant of Uncertain Significance.

NM_000064.4(C3):c.2017G>A (p.Val673Met)

Gene: C3 (complement C3; minus strand). Cytogenetic location: 19p13.3.
Variant type: single nucleotide variant.
Coding change: c.2017G>A on transcript NM_000064.4 (MANE Select); coding-DNA position 2017, G replaced by A.
Protein change: p.Val673Met; replaces valine 673 with methionine.
Molecular consequence: missense variant.
Genome position (GRCh38, 1-based): chr19:6,707,496, C>T on the plus strand (G>A on the coding strand, the complement: C3 is on the minus strand). VCF-style: chr19-6707496-C-T. GRCh37 (hg19) VCF-style: chr19-6707507-C-T.
Other names: short protein forms V673M.
Identifiers: ClinVar variation 2966985 (VCV002966985.3), dbSNP rs534845907, ClinGen allele CA9129229.